The following is an entry in ClinVar:

ClinVar aggregate classification (germline): Benign. Review status: criteria provided, multiple submitters, no conflicts (2 of 4 stars). 2 submissions from 2 submitters: Benign (2). Last evaluated 2018-06-14.

Allele frequency attached by ClinVar (database versions not stated): gnomAD 0.63327 and 0.64141; TOPMed 0.65053; 1000 Genomes Project 30x 0.72736; 1000 Genomes Project 0.72883.
gnomAD v4.1: 97,375 of 152,108 alleles (64%); highest among the groups gnomAD compares: East Asian, 94%; 31,771 homozygotes.

Submissions (2):

GeneDx
Classification: Benign. Last evaluated: 2018-06-14. Review status: criteria provided, single submitter. Criteria: GeneDx Variant Classification (06012015). Collection method: clinical testing. Allele origin: germline. Affected: yes.
Comment: This variant is considered likely benign or benign based on one or more of the following criteria: it is a conservative change, it occurs at a poorly conserved position in the protein, it is predicted to be benign by multiple in silico algorithms, and/or has population frequency not consistent with disease.

Breakthrough Genomics
Classification: Benign. Review status: criteria provided, single submitter. Criteria: ACMG Guidelines, 2015. Collection method: not provided. Allele origin: germline. Inheritance: Autosomal recessive inheritance. Affected: yes.

NM_006005.3(WFS1):c.632-170A>G

Gene: WFS1 (wolframin ER transmembrane glycoprotein; plus strand). Cytogenetic location: 4p16.1.
Variant type: single nucleotide variant.
Coding change: c.632-170A>G on transcript NM_006005.3 (MANE Select); 170 bases into the intron before coding-DNA position 632, A replaced by G.
Molecular consequence: intron variant.
Genome position (GRCh38, 1-based): chr4:6,291,747, A>G. VCF-style: chr4-6291747-A-G. GRCh37 (hg19) VCF-style: chr4-6293474-A-G.
Other names: c.632-170A>G (NM_001145853.1).
Identifiers: ClinVar variation 670298 (VCV000670298.2), dbSNP rs13147655, ClinGen allele CA11634621.
Genomic context (GRCh38, chr4:6,291,747, plus strand): 5'-TGTCCATCACCAAGTGGGAGCACGCTACGTGGTGCTGAGTCCACCCCAGCTACTGGAGGT[A>G]CAGAGGTGTGGCCCCTGCTCTGCCTGCCCTGGGGGCCCTATGATCCCCAGAACGTAGGAT-3'